The following is an entry in ClinVar:

NM_001430.5(EPAS1):c.1724C>T (p.Ala575Val)

Gene: EPAS1 (endothelial PAS domain protein 1; plus strand). Cytogenetic location: 2p21.
Variant type: single nucleotide variant.
Coding change: c.1724C>T on transcript NM_001430.5 (MANE Select); coding-DNA position 1724, C replaced by T.
Protein change: p.Ala575Val; replaces alanine 575 with valine.
Molecular consequence: missense variant.
Genome position (GRCh38, 1-based): chr2:46,380,396, C>T. VCF-style: chr2-46380396-C-T. GRCh37 (hg19) VCF-style: chr2-46607535-C-T.
Other names: short protein forms A575V.
Identifiers: ClinVar variation 1778832 (VCV001778832.2), dbSNP rs760218036, ClinGen allele CA1645093.
Genomic context (GRCh38, chr2:46,380,396, plus strand): 5'-ACCCACAGTCCACCCCCCAGCACTGCTTCAGTGCCATGACAAACATCTTCCAGCCACTGG[C>T]CCCTGTAGCCCCGCACAGTCCCTTCCTCCTGGACAAGTTTCAGCAGCAGCTGGAGAGCAA-3'
Protein context (NP_001421.2, residues 565-585): SAMTNIFQPL[Ala575Val]PVAPHSPFLL

ClinVar aggregate classification (germline): Uncertain significance (1 of 4 stars; one submission).

Conditions:
Inborn genetic diseases. Identifiers: MedGen C0950123, MeSH D030342.

Allele frequency attached by ClinVar (database versions not stated): gnomAD exomes below 0.00001; ExAC 0.00001.
gnomAD v4.1: 4 of 1,614,204 alleles (0.00025%); highest among the groups gnomAD compares: South Asian, 0.0044%; no homozygotes.

Submission:

Ambry Genetics
Classification: Uncertain significance for Inborn genetic diseases. Last evaluated: 2022-05-27. Review status: criteria provided, single submitter. Criteria: Ambry Variant Classification Scheme 2023. Collection method: clinical testing. Allele origin: germline.
Comment: The p.A575V variant (also known as c.1724C>T), located in coding exon 12 of the EPAS1 gene, results from a C to T substitution at nucleotide position 1724. The alanine at codon 575 is replaced by valine, an amino acid with similar properties. This amino acid position is conserved. In addition, this alteration is predicted to be tolerated by in silico analysis. Since supporting evidence is limited at this time, the clinical significance of this alteration remains unclear.